The following is an entry in ClinVar:

NM_001349338.3(FOXP1):c.1349-8_1349-3del

Gene: FOXP1 (forkhead box P1; minus strand). Cytogenetic location: 3p13.
Variant type: Deletion.
Coding change: c.1349-8_1349-3del on transcript NM_001349338.3 (MANE Select); 8 bases into the intron before coding-DNA position 1349 through 3 bases into the intron before coding-DNA position 1349, 6 bases deleted (TTATTC; older notation c.1349-8_1349-3delTTATTC).
Molecular consequence: intron variant.
Genome position (GRCh38, 1-based): chr3:70,977,725-70,977,730, GAATAA deleted on the plus strand (TTATTC on the coding strand, the reverse complement: FOXP1 is on the minus strand); deleting any 6 consecutive bases within chr3:70,977,725-70,977,734 gives the same sequence; the c. name uses the placement nearest the transcript's 3' end. VCF-style (leftmost placement, unchanged base first): chr3-70977724-TGAATAA-T. GRCh37 (hg19) VCF-style: chr3-71026875-TGAATAA-T.
Other names: c.1349-8_1349-3del (NM_001244814.3, NM_001244810.2, NM_032682.6 and 2 more transcripts); c.1046-8_1046-3del (NM_001349343.3, NM_001349337.2, NM_001349344.3); c.1049-8_1049-3del (NM_001349342.3, NM_001244815.2, NM_001244813.3); c.1049-11_1049-6del (NM_001370548.1); c.1346-8_1346-3del (NM_001349341.3); c.1349-11_1349-6del (NM_001244808.3); c.1121-8_1121-3del (NM_001244812.3).
Identifiers: ClinVar variation 5018210 (VCV005018210.1).

ClinVar aggregate classification (germline): Uncertain significance (1 of 4 stars; one submission).

Submission:

GeneDx
Classification: Uncertain significance. Last evaluated: 2026-04-03. Review status: criteria provided, single submitter. Criteria: GeneDx Variant Classification Process June 2021. Collection method: clinical testing. Allele origin: germline.
Comment: Not observed at significant frequency in large population cohorts (gnomAD); In silico analysis supports a deleterious effect on splicing; Has not been previously published as pathogenic or benign to our knowledge